The following is an entry in ClinVar:

NM_198721.4(COL25A1):c.1450A>G (p.Lys484Glu)

Gene: COL25A1 (collagen type XXV alpha 1 chain; minus strand). Cytogenetic location: 4q25.
Variant type: single nucleotide variant.
Coding change: c.1450A>G on transcript NM_198721.4 (MANE Select); coding-DNA position 1450, A replaced by G.
Protein change: p.Lys484Glu; replaces lysine 484 with glutamic acid.
Molecular consequence: missense variant. On other transcripts: non-coding transcript variant (1).
Genome position (GRCh38, 1-based): chr4:108,846,204, T>C on the plus strand (A>G on the coding strand, the complement: COL25A1 is on the minus strand). VCF-style: chr4-108846204-T-C. GRCh37 (hg19) VCF-style: chr4-109767360-T-C.
Other names: NM_032518.4:c.1450A>G; c.1369A>G, p.Lys457Glu (NM_001256074.3); c.1450A>G, p.Lys484Glu (NM_032518.4); short protein forms K457E, K484E.
Identifiers: ClinVar variation 3385353 (VCV003385353.1).

ClinVar aggregate classification (germline): Uncertain significance (1 of 4 stars; one submission).

Conditions:
Fibrosis of extraocular muscles, congenital, 5 (CFEOM5). Identifiers: Orphanet 233, Orphanet 91411, MedGen C4015552, MONDO:0014538, OMIM 616219.

Submission:

Broad Center for Mendelian Genomics, Broad Institute of MIT and Harvard
Classification: Uncertain significance for Fibrosis of extraocular muscles, congenital, 5. Last evaluated: 2024-12-11. Review status: criteria provided, single submitter. Criteria: ACMG Guidelines, 2015. Collection method: curation. Allele origin: germline. Inheritance: Autosomal recessive inheritance. Study: GREGoR Consortium.
Comment: The homozygous p.Lys484Glu variant in COL25A1 was identified by our study in 2 affected siblings with arthrogryposis multiplex congenita with ocular congenital cranial dysinnervation, an expansion of the phenotype congenital fibrosis of extraocular muscles (PMID: 35077597). The p.Lys484Glu variant in COL25A1 has not been previously reported in the literature in individuals with congenital fibrosis of extraocular muscles, and was absent from large population studies. Computational prediction tools and conservation analyses suggest that this variant may impact the protein, though this information is not predictive enough to determine pathogenicity. In summary, while there is some suspicion for a pathogenic role, the clinical significance of this variant is uncertain. ACMG/AMP Criteria applied: PP3_moderate, PM2_supporting, PM3_supporting (Richards 2015).